The following is an entry in ClinVar:

ClinVar aggregate classification (germline): Likely pathogenic (1 of 4 stars; one submission).

Conditions:
Hyperlysinemia. Also called: Hyperlysinemias. Identifiers: Orphanet 2203, MedGen C0268553, MONDO:0009388, HP:0002161.

Submission:

Women's Health and Genetics/Laboratory Corporation of America, LabCorp
Classification: Likely pathogenic for Hyperlysinemia. Last evaluated: 2022-12-27. Review status: criteria provided, single submitter. Criteria: LabCorp Variant Classification Summary - May 2015. Collection method: clinical testing. Allele origin: germline.
Comment: Variant summary: The variant identified by MLPA or other technology involves the deletion of exons 2-15 in the AASS gene. A presumed nomenclature of c.(-16+1_-15-1)_(1655+1_1656-1)del has been designated for the purposes of this classification. Although exact breakpoints of this deletion are not known, it is expected to remove the initiation codon and is predicted to result either in absence of the protein or truncation of the encoded protein due to translation initiation at a downstream site. An alternative downstream in-frame start codon (Met573) is located in exon 16 of the encoded protein. An activation of this potential downstream translation initiation site would result in a shortened protein missing the first 572 amino acids from the protein sequence, resulting in a large deletion in the AASS gene, a known mechanism of disease. Multiple variants (including missense, nonsense and frameshift) located upstream of this alternate initiation codon have been reported as pathogenic/disease-associated in ClinVar, HGMD and LOVD. The variant was absent in 21694 control chromosomes (gnomAD, Structural Variants dataset). To our knowledge, no occurrence of c.(-16+1_-15-1)_(1655+1_1656-1)del in individuals affected with Hyperlysinemia and no experimental evidence demonstrating its impact on protein function have been reported. No clinical diagnostic laboratories have submitted clinical-significance assessments for this variant to ClinVar after 2014. Based on the evidence outlined above, the variant was classified as likely pathogenic.

NC_000007.13:g.(121733213_121738503)_(121773796_121784214)del

Gene: AASS (aminoadipate-semialdehyde synthase; minus strand). Cytogenetic location: 7q31.32.
Variant type: Deletion.
Identifiers: ClinVar variation 1878391 (VCV001878391.1).